The following is an entry in ClinVar:

NM_005560.6(LAMA5):c.8519G>A (p.Gly2840Asp)

Gene: LAMA5 (laminin subunit alpha 5; minus strand). Cytogenetic location: 20q13.33.
Variant type: single nucleotide variant.
Coding change: c.8519G>A on transcript NM_005560.6 (MANE Select); coding-DNA position 8519, G replaced by A.
Protein change: p.Gly2840Asp; replaces glycine 2840 with aspartic acid.
Molecular consequence: missense variant.
Genome position (GRCh38, 1-based): chr20:62,313,788, C>T on the plus strand (G>A on the coding strand, the complement: LAMA5 is on the minus strand). VCF-style: chr20-62313788-C-T. GRCh37 (hg19) VCF-style: chr20-60888844-C-T.
Other names: short protein forms G2840D.
Identifiers: ClinVar variation 1961086 (VCV001961086.5), dbSNP rs1986591558, ClinGen allele CA409545316.

ClinVar aggregate classification (germline): Uncertain significance (1 of 4 stars; one submission).

Allele frequency attached by ClinVar (database versions not stated): TOPMed below 0.00001.

Submission:

Labcorp Genetics (formerly Invitae), Labcorp
Classification: Uncertain significance. Last evaluated: 2024-10-17. Review status: criteria provided, single submitter. Criteria: Invitae Variant Classification Sherloc (09022015). Collection method: clinical testing. Allele origin: germline.
Comment: This sequence change replaces glycine, which is neutral and non-polar, with aspartic acid, which is acidic and polar, at codon 2840 of the LAMA5 protein (p.Gly2840Asp). This variant is not present in population databases (gnomAD no frequency). This variant has not been reported in the literature in individuals affected with LAMA5-related conditions. ClinVar contains an entry for this variant (Variation ID: 1961086). Invitae Evidence Modeling of protein sequence and biophysical properties (such as structural, functional, and spatial information, amino acid conservation, physicochemical variation, residue mobility, and thermodynamic stability) indicates that this missense variant is expected to disrupt LAMA5 protein function with a positive predictive value of 80%. In summary, the available evidence is currently insufficient to determine the role of this variant in disease. Therefore, it has been classified as a Variant of Uncertain Significance.